The following is an entry in ClinVar:

ClinVar aggregate classification (germline): Likely pathogenic (1 of 4 stars; one submission).

Conditions:
Intellectual developmental disorder, autosomal recessive 3. Also called: Intellectual disability, autosomal recessive 3. Identifiers: Orphanet 88616, MedGen C1838023, MONDO:0012037, OMIM 608443.

Submission:

Juno Genomics, Hangzhou Juno Genomics, Inc
Classification: Likely pathogenic for Intellectual developmental disorder, autosomal recessive 3. Review status: criteria provided, single submitter. Criteria: ACMG Guidelines, 2015. Collection method: clinical testing. Allele origin: germline.
Comment: Absent from controls (or at extremely low frequency if recessive) in Genome Aggregation Database.;Null variant in a gene where loss of function (LOF) is a known mechanism of disease.

NM_017721.5(CC2D1A):c.1449del (p.Ala485fs)

Gene: CC2D1A (coiled-coil and C2 domain containing 1A; plus strand). Cytogenetic location: 19p13.12.
Variant type: Deletion.
Coding change: c.1449del on transcript NM_017721.5 (MANE Select); coding-DNA position 1449, one base deleted (C; older notation c.1449delC).
Protein change: p.Ala485fs; shifts the reading frame from alanine 485.
Molecular consequence: frameshift variant.
Genome position (GRCh38, 1-based): chr19:13,920,649, C deleted; the last of 6 consecutive C bases (chr19:13,920,644-13,920,649); deleting any one gives the same sequence. VCF-style (leftmost placement, unchanged base first): chr19-13920643-GC-G. GRCh37 (hg19) VCF-style: chr19-14031456-GC-G.
Other names: c.1449del, p.Ala485fs (NM_001411138.1); short protein forms A485fs.
Identifiers: ClinVar variation 5018533 (VCV005018533.2).
Genomic context (GRCh38, chr19:13,920,643, plus strand): 5'-CCAGCCCAAAGCCCCACCCTCAAGAACTCCCCAGTCGGGATCAGCCCCAACAGCCAAAGC[GC>G]CCCCCAAAGCCACATCCACCAGAGGTAAGTTCCCCCTCCCCGCCCCAGCTGCCTGTTGCC-3'